The following is an entry in ClinVar:

ClinVar aggregate classification (germline): Uncertain significance. Review status: criteria provided, multiple submitters, no conflicts (2 of 4 stars). 2 submissions from 2 submitters: Uncertain significance (2). Last evaluated 2025-10-02.

Conditions:
Leukodystrophy, hypomyelinating, 6. Also called: Hypomyelination with Atrophy of Basal Ganglia and Cerebellum (H-ABC); LEUKODYSTROPHY, HYPOMYELINATING, WITH ATROPHY OF THE BASAL GANGLIA AND CEREBELLUM; TUBB4A-Associated Leukodystrophy. Identifiers: Orphanet 139441, MedGen C2676244, MONDO:0012905, OMIM 612438.

Allele frequency attached by ClinVar (database versions not stated): gnomAD exomes below 0.00001.

Submissions (2):

Labcorp Genetics (formerly Invitae), Labcorp
Classification: Uncertain significance for Leukodystrophy, hypomyelinating, 6. Last evaluated: 2025-10-02. Review status: criteria provided, single submitter. Criteria: Invitae Variant Classification Sherloc (09022015). Collection method: clinical testing. Allele origin: germline.
Comment: This sequence change replaces arginine, which is basic and polar, with cysteine, which is neutral and slightly polar, at codon 241 of the TUBB4A protein (p.Arg241Cys). The frequency data for this variant in the population databases is considered unreliable, as metrics indicate poor data quality at this position in the gnomAD database. This variant has not been reported in the literature in individuals affected with TUBB4A-related conditions. ClinVar contains an entry for this variant (Variation ID: 2908996). Invitae Evidence Modeling of protein sequence and biophysical properties (such as structural, functional, and spatial information, amino acid conservation, physicochemical variation, residue mobility, and thermodynamic stability) indicates that this missense variant is expected to disrupt TUBB4A protein function with a positive predictive value of 80%. In summary, the available evidence is currently insufficient to determine the role of this variant in disease. Therefore, it has been classified as a Variant of Uncertain Significance.

Blueprint Genetics
Classification: Uncertain significance. Last evaluated: 2024-10-07. Review status: criteria provided, single submitter. Criteria: ACMG Guidelines, 2015. Collection method: clinical testing. Allele origin: germline.

NM_006087.4(TUBB4A):c.721C>T (p.Arg241Cys)

Gene: TUBB4A (tubulin beta 4A class IVa; minus strand). Cytogenetic location: 19p13.3.
Variant type: single nucleotide variant.
Coding change: c.721C>T on transcript NM_006087.4 (MANE Select); coding-DNA position 721, C replaced by T.
Protein change: p.Arg241Cys; replaces arginine 241 with cysteine.
Molecular consequence: missense variant.
Genome position (GRCh38, 1-based): chr19:6,495,778, G>A on the plus strand (C>T on the coding strand, the complement: TUBB4A is on the minus strand). VCF-style: chr19-6495778-G-A. GRCh37 (hg19) VCF-style: chr19-6495789-G-A.
Other names: c.874C>T, p.Arg292Cys (NM_001289123.2); c.856C>T, p.Arg286Cys (NM_001289127.2); c.721C>T, p.Arg241Cys (NM_001289129.2); c.505C>T, p.Arg169Cys (NM_001289130.2, NM_001289131.2); short protein forms R241C, R286C, R292C, R169C.
Identifiers: ClinVar variation 2908996 (VCV002908996.4), dbSNP rs1201985530, ClinGen allele CA403591337.